The following is an entry in ClinVar:

NM_032608.7(MYO18B):c.7181C>T (p.Ala2394Val)

Gene: MYO18B (myosin XVIIIB; plus strand). Cytogenetic location: 22q12.1.
Variant type: single nucleotide variant.
Coding change: c.7181C>T on transcript NM_032608.7 (MANE Select); coding-DNA position 7181, C replaced by T.
Protein change: p.Ala2394Val; replaces alanine 2394 with valine.
Molecular consequence: missense variant.
Genome position (GRCh38, 1-based): chr22:26,027,155, C>T. VCF-style: chr22-26027155-C-T. GRCh37 (hg19) VCF-style: chr22-26423121-C-T.
Other names: c.7184C>T, p.Ala2395Val (NM_001318245.2); short protein forms A2395V, A2394V.
Identifiers: ClinVar variation 1347534 (VCV001347534.5), dbSNP rs375762858, ClinGen allele CA322815681.

ClinVar aggregate classification (germline): Uncertain significance (1 of 4 stars; one submission).

Allele frequency attached by ClinVar (database versions not stated): gnomAD 0.00002; TOPMed 0.00002; ESP Exome Variant Server 0.00008; 1000 Genomes Project 30x 0.00016.
gnomAD v4.1: 27 of 1,613,994 alleles (0.0017%); highest among the groups gnomAD compares: East Asian, 0.022%; no homozygotes.

Submission:

Labcorp Genetics (formerly Invitae), Labcorp
Classification: Uncertain significance. Last evaluated: 2024-01-22. Review status: criteria provided, single submitter. Criteria: Invitae Variant Classification Sherloc (09022015). Collection method: clinical testing. Allele origin: germline.
Comment: This sequence change replaces alanine with valine at codon 2394 of the MYO18B protein (p.Ala2394Val). The alanine residue is weakly conserved and there is a small physicochemical difference between alanine and valine. This variant is present in population databases (rs375762858, gnomAD 0.002%). This variant has not been reported in the literature in individuals affected with MYO18B-related conditions. ClinVar contains an entry for this variant (Variation ID: 1347534). Algorithms developed to predict the effect of missense changes on protein structure and function output the following: SIFT: "Not Available"; PolyPhen-2: "Benign"; Align-GVGD: "Not Available". The valine amino acid residue is found in multiple mammalian species, which suggests that this missense change does not adversely affect protein function. In summary, the available evidence is currently insufficient to determine the role of this variant in disease. Therefore, it has been classified as a Variant of Uncertain Significance.